The following is an entry in ClinVar:

NM_005996.4(TBX3):c.1625C>T (p.Ala542Val)

Gene: TBX3 (T-box transcription factor 3; minus strand). Cytogenetic location: 12q24.21.
Variant type: single nucleotide variant.
Coding change: c.1625C>T on transcript NM_005996.4 (MANE Select); coding-DNA position 1625, C replaced by T.
Protein change: p.Ala542Val; replaces alanine 542 with valine.
Molecular consequence: missense variant.
Genome position (GRCh38, 1-based): chr12:114,674,250, G>A on the plus strand (C>T on the coding strand, the complement: TBX3 is on the minus strand). VCF-style: chr12-114674250-G-A. GRCh37 (hg19) VCF-style: chr12-115112055-G-A.
Other names: c.1685C>T, p.Ala562Val (NM_016569.4); c.1685C>T (NM_016569.3); short protein forms A562V, A542V.
Identifiers: ClinVar variation 307363 (VCV000307363.40), dbSNP rs201325654, ClinGen allele CA6809888.
Genomic context (GRCh38, chr12:114,674,250, plus strand): 5'-AGGTGGAAGGGCAGGGTGGCCGCGGACGCCCCGGACAGTCCCTGCGCCGCAGCGGCAGAG[G>A]CCATGGCCGTGGAATCCAGGCCCGAGACACCGGTGGAGGCCCCAGAAACCGTGGCCAGGA-3'
Protein context (NP_005987.3, residues 532-552): GVSGLDSTAM[Ala542Val]SAAAAQGLSG

ClinVar aggregate classification (germline): Benign/Likely benign. Review status: criteria provided, multiple submitters, no conflicts (2 of 4 stars). 5 submissions from 5 submitters: Benign (3); Likely benign (1). 1 of the submissions does not count toward it. Last evaluated 2025-10-19.

Conditions:
Ulnar-mammary syndrome (UMS). Also called: SCHINZEL SYNDROME; PALLISTER ULNAR-MAMMARY SYNDROME; Ulnar-mammary syndrome of Pallister. Identifiers: Orphanet 3138, MedGen C1866994, MONDO:0008411, OMIM 181450.
TBX3-related disorder. Also called: TBX3-related condition.

Allele frequency attached by ClinVar (database versions not stated): gnomAD 0.00036 and 0.00050; gnomAD exomes 0.00043 and 0.00143; TOPMed 0.00067; 1000 Genomes Project 0.00140; 1000 Genomes Project 30x 0.00141; ExAC 0.00276.
gnomAD v4.1: 701 of 1,576,544 alleles (0.044%); highest among the groups gnomAD compares: East Asian, 1.4%; 6 homozygotes.

Submissions (5):

Labcorp Genetics (formerly Invitae), Labcorp
Classification: Benign for Ulnar-mammary syndrome. Last evaluated: 2025-10-19. Review status: criteria provided, single submitter. Criteria: Invitae Variant Classification Sherloc (09022015). Collection method: clinical testing. Allele origin: germline.

Blueprint Genetics
Classification: Likely benign. Last evaluated: 2024-11-27. Review status: criteria provided, single submitter. Criteria: ACMG Guidelines, 2015. Collection method: clinical testing. Allele origin: germline.

CeGaT Center for Human Genetics Tuebingen
Classification: Benign. Last evaluated: 2022-10-01. Review status: criteria provided, single submitter. Criteria: CeGaT Center For Human Genetics Tuebingen Variant Classification Criteria Version 2. Collection method: clinical testing. Allele origin: germline. Affected: yes. Observed: 1 variant allele.
Comment: TBX3: PP3, BS1, BS2

Illumina Laboratory Services, Illumina
Classification: Benign for Ulnar-mammary syndrome. Last evaluated: 2018-01-12. Review status: criteria provided, single submitter. Criteria: ICSL Variant Classification Criteria 13 December 2019. Collection method: clinical testing. Allele origin: germline.
Comment: This variant was observed in the ICSL laboratory as part of a predisposition screen in an ostensibly healthy population. It had not been previously curated by ICSL or reported in the Human Gene Mutation Database (HGMD: prior to June 1st, 2018), and was therefore a candidate for classification through an automated scoring system. Utilizing variant allele frequency, disease prevalence and penetrance estimates, and inheritance mode, an automated score was calculated to assess if this variant is too frequent to cause the disease. Based on the score and internal cut-off values, a variant classified as benign is not then subjected to further curation. The score for this variant resulted in a classification of benign for this disease.

PreventionGenetics, part of Exact Sciences
Classification: Likely benign for TBX3-related condition. Last evaluated: 2022-08-10. Review status: no assertion criteria provided. Collection method: clinical testing. Allele origin: germline. Not counted in ClinVar's aggregate classification.
Comment: This variant is classified as likely benign based on ACMG/AMP sequence variant interpretation guidelines (Richards et al. 2015 PMID: 25741868, with internal and published modifications).